The following is an entry in ClinVar:

NM_213720.3(CHCHD10):c.214G>A (p.Ala72Thr)

Gene: CHCHD10 (coiled-coil-helix-coiled-coil-helix domain containing 10; minus strand). Cytogenetic location: 22q11.23.
Variant type: single nucleotide variant.
Coding change: c.214G>A on transcript NM_213720.3 (MANE Select); coding-DNA position 214, G replaced by A.
Protein change: p.Ala72Thr; replaces alanine 72 with threonine.
Molecular consequence: missense variant. On other transcripts: non-coding transcript variant (1).
Genome position (GRCh38, 1-based): chr22:23,767,421, C>T on the plus strand (G>A on the coding strand, the complement: CHCHD10 is on the minus strand). VCF-style: chr22-23767421-C-T. GRCh37 (hg19) VCF-style: chr22-24109608-C-T.
Other names: c.214G>A, p.Ala72Thr (NM_001301339.2); c.214G>A (NM_213720.1); short protein forms A72T.
Identifiers: ClinVar variation 473421 (VCV000473421.12), dbSNP rs542541060, ClinGen allele CA10145294.

ClinVar aggregate classification (germline): Conflicting classifications of pathogenicity. Review status: criteria provided, conflicting classifications (1 of 4 stars). 2 submissions from 2 submitters: Uncertain significance (1); Likely benign (1). Last evaluated 2023-08-30.

Conditions:
Inborn genetic diseases. Identifiers: MedGen C0950123, MeSH D030342.
Autosomal dominant mitochondrial myopathy with exercise intolerance (IMMD). Also called: Myopathy, isolated mitochondrial, autosomal dominant. Identifiers: Orphanet 457050, MedGen C4015513, MONDO:0014532, OMIM 616209.
Lower motor neuron syndrome with late-adult onset (SMAJ). Also called: Spinal muscular atrophy, Jokela type; Late-Onset Spinal Motor Neuronopathy (SMAJ). Identifiers: Orphanet 276435, MedGen C3554398, MONDO:0014025, OMIM 615048.
Frontotemporal dementia and/or amyotrophic lateral sclerosis 2. Also called: FTDALS2. Identifiers: Orphanet 275872, MedGen C4014648, MONDO:0014395, OMIM 615911.

Allele frequency attached by ClinVar (database versions not stated): gnomAD exomes 0.00001 and below 0.00001; gnomAD 0.00001; ExAC 0.00002; TOPMed 0.00001; 1000 Genomes Project 30x 0.00016; 1000 Genomes Project 0.00020.

Submissions (2):

Labcorp Genetics (formerly Invitae), Labcorp
Classification: Uncertain significance for Lower motor neuron syndrome with late-adult onset; Frontotemporal dementia and/or amyotrophic lateral sclerosis 2; Autosomal dominant mitochondrial myopathy with exercise intolerance. Last evaluated: 2023-08-30. Review status: criteria provided, single submitter. Criteria: Invitae Variant Classification Sherloc (09022015). Collection method: clinical testing. Allele origin: germline.
Comment: This sequence change replaces alanine, which is neutral and non-polar, with threonine, which is neutral and polar, at codon 72 of the CHCHD10 protein (p.Ala72Thr). This variant is present in population databases (rs542541060, gnomAD 0.02%). This variant has not been reported in the literature in individuals affected with CHCHD10-related conditions. ClinVar contains an entry for this variant (Variation ID: 473421). An algorithm developed to predict the effect of missense changes on protein structure and function (PolyPhen-2) suggests that this variant is likely to be disruptive. In summary, the available evidence is currently insufficient to determine the role of this variant in disease. Therefore, it has been classified as a Variant of Uncertain Significance.

Ambry Genetics
Classification: Likely benign for Inborn genetic diseases. Last evaluated: 2022-11-08. Review status: criteria provided, single submitter. Criteria: Ambry Variant Classification Scheme 2023. Collection method: clinical testing. Allele origin: germline.